The following is an entry in ClinVar:

NC_000009.11:g.(?_124062140)_(124094881_?)dup

Gene: GSN (gelsolin; plus strand). Cytogenetic location: 9q33.2.
Variant type: Duplication.
Identifiers: ClinVar variation 3245279 (VCV003245279.1).

ClinVar aggregate classification (germline): Uncertain significance (1 of 4 stars; one submission).

Submission:

Labcorp Genetics (formerly Invitae), Labcorp
Classification: Uncertain significance. Last evaluated: 2023-11-17. Review status: criteria provided, single submitter. Criteria: Invitae Variant Classification Sherloc (09022015). Collection method: clinical testing. Allele origin: unknown.
Comment: A copy number gain of the genomic region encompassing the full coding sequence of the GSN gene has been identified. The boundaries of this event are unknown as they extend beyond the assayed region for this gene and therefore may encompass additional genes. As the precise location of this event is unknown, it may be in tandem or it may be located elsewhere in the genome. This variant has not been reported in the literature in individuals affected with GSN-related conditions. In summary, the available evidence is currently insufficient to determine the role of this variant in disease. Therefore, it has been classified as a Variant of Uncertain Significance.